The following is an entry in ClinVar:

ClinVar aggregate classification (germline): Uncertain significance. Review status: criteria provided, multiple submitters, no conflicts (2 of 4 stars). 4 submissions from 4 submitters: Uncertain significance (4). Last evaluated 2026-03-27.

Conditions:
Cardiovascular phenotype. Identifiers: MedGen CN230736.
Melnick-Needles syndrome (MNS). Also called: MELNICK-NEEDLES OSTEODYSPLASTY; OSTEODYSPLASTY OF MELNICK AND NEEDLES; Melnick-Needles Syndrome (FLNA-MNS). Identifiers: Orphanet 2484, MedGen C0025237, MONDO:0010650, OMIM 309350.
Oto-palato-digital syndrome, type II (OPD2). Also called: FACIOPALATOOSSEOUS SYNDROME; Otopalatodigital Syndrome, Type II; OPD II SYNDROME; Otopalatodigital Syndrome Type 2 (FLNA-OPD2). Identifiers: Orphanet 669, Orphanet 90652, MedGen C1844696, MONDO:0010571, OMIM 304120.
Terminal osseous dysplasia-pigmentary defects syndrome. Also called: ODPF SYNDROME; OSSEOUS DYSPLASIA, DIGITAL, WITH FACIAL PIGMENTARY DEFECTS AND MULTIPLE FRENULA; ODPD; TERMINAL OSSEOUS DYSPLASIA AND PIGMENTARY DEFECTS; Terminal Osseous Dysplasia (FLNA-TOD). Identifiers: Orphanet 88630, MedGen C1846129, MONDO:0010279, OMIM 300244.
FG syndrome 2 (FGS2). Identifiers: MedGen C1845902, MONDO:0010297, OMIM 300321.
Frontometaphyseal dysplasia 1 (FMD1). Also called: Frontometaphyseal Dysplasia (FLNA-FMD). Identifiers: Orphanet 1826, MedGen C4281559, MONDO:0024550, OMIM 305620.
Intestinal pseudoobstruction, neuronal, chronic idiopathic, X-linked (CIIPX). Also called: CONGENITAL IDIOPATHIC INTESTINAL PSEUDOOBSTRUCTION; INTESTINAL PSEUDOOBSTRUCTION, NEURONAL, CHRONIC IDIOPATHIC, WITH CENTRAL NERVOUS SYSTEM INVOLVEMENT; FLNA-Related Periventricular Nodular Heterotopia (FLNA-Related PVNH; Huttenlocher Syndrome). Identifiers: Orphanet 2301, MedGen C2746068, MONDO:0010232, OMIM 300048.
Oto-palato-digital syndrome, type I (OPD1). Also called: Otopalatodigital Syndrome, Type I; OPD I SYNDROME; OPD SYNDROME 1; Taybi syndrome; Otopalatodigital Syndrome Type 1 (FLNA-OPD1). Identifiers: Orphanet 669, Orphanet 90650, MedGen C0265251, MONDO:0010704, OMIM 311300.
Cardiac valvular dysplasia, X-linked (CVDPX). Also called: Congenital valvular dysplasia; Isolated X-Linked Cardiac Valvular Dysplasia; MYXOMATOUS VALVULAR DYSTROPHY, X-LINKED; VALVULAR HEART DISEASE, CONGENITAL; FLNA-Related X-linked Cardiac Valvular Dysplasia. Identifiers: Orphanet 1864, Orphanet 555877, Orphanet 75497, MedGen C0262436, MONDO:0010753, OMIM 314400.
Heterotopia, periventricular, X-linked dominant (PVNH1). Also called: PERIVENTRICULAR NODULAR HETEROTOPIA 1; X-linked periventricular heterotopia; PERIVENTRICULAR NODULAR HETEROTOPIA 4; HETEROTOPIA, PERIVENTRICULAR, 1. Identifiers: Orphanet 2149, Orphanet 82004, MedGen C1848213, MONDO:0010233, OMIM 300049.
Frontometaphyseal dysplasia (FMD1). Identifiers: Orphanet 1826, MedGen C0265293, MONDO:0015942.

Allele frequency attached by ClinVar (database versions not stated): gnomAD exomes below 0.00001; TOPMed below 0.00001; gnomAD 0.00001.
gnomAD v4.1: 3 of 1,208,328 alleles (0.00025%); highest among the groups gnomAD compares: African/African-American, 0.0053%; no homozygotes.

Submissions (4):

Molecular Diagnostic Laboratory for Inherited Cardiovascular Disease, Montreal Heart Institute
Classification: Uncertain significance for Cardiovascular phenotype. Last evaluated: 2026-03-27. Review status: criteria provided, single submitter. Criteria: ACMG Guidelines, 2015. Collection method: clinical testing. Allele origin: germline. Affected: yes.

GeneDx
Classification: Uncertain significance. Last evaluated: 2022-08-31. Review status: criteria provided, single submitter. Criteria: GeneDx Variant Classification Process June 2021. Collection method: clinical testing. Allele origin: germline. Affected: yes.
Comment: Not observed at significant frequency in large population cohorts (gnomAD); In silico analysis supports that this missense variant does not alter protein structure/function; Has not been previously published as pathogenic or benign to our knowledge

Department of Pathology and Laboratory Medicine, Sinai Health System
Classification: Uncertain significance for Intestinal pseudoobstruction, neuronal, chronic idiopathic, X-linked; Heterotopia, periventricular, X-linked dominant; Terminal osseous dysplasia-pigmentary defects syndrome; FG syndrome 2; Oto-palato-digital syndrome, type II; Frontometaphyseal dysplasia 1; Melnick-Needles syndrome; Oto-palato-digital syndrome, type I; Cardiac valvular dysplasia, X-linked. Last evaluated: 2021-08-08. Review status: criteria provided, single submitter. Criteria: ACMG Guidelines, 2015. Collection method: research. Allele origin: germline.

Labcorp Genetics (formerly Invitae), Labcorp
Classification: Uncertain significance for Oto-palato-digital syndrome, type II; Heterotopia, periventricular, X-linked dominant; Frontometaphyseal dysplasia; Melnick-Needles syndrome. Last evaluated: 2020-09-27. Review status: criteria provided, single submitter. Criteria: Invitae Variant Classification Sherloc (09022015). Collection method: clinical testing. Allele origin: germline.
Comment: In summary, the available evidence is currently insufficient to determine the role of this variant in disease. Therefore, it has been classified as a Variant of Uncertain Significance. Advanced modeling of protein sequence and biophysical properties (such as structural, functional, and spatial information, amino acid conservation, physicochemical variation, residue mobility, and thermodynamic stability) performed at Invitae indicates that this missense variant is not expected to disrupt FLNA protein function. This variant has not been reported in the literature in individuals with FLNA-related conditions. This variant is not present in population databases (ExAC no frequency). This sequence change replaces serine with alanine at codon 1012 of the FLNA protein (p.Ser1012Ala). The serine residue is highly conserved and there is a moderate physicochemical difference between serine and alanine.

NM_001110556.2(FLNA):c.3034T>G (p.Ser1012Ala)

Gene: FLNA (filamin A; minus strand). Cytogenetic location: Xq28.
Variant type: single nucleotide variant.
Coding change: c.3034T>G on transcript NM_001110556.2 (MANE Select); coding-DNA position 3034, T replaced by G.
Protein change: p.Ser1012Ala; replaces serine 1012 with alanine.
Molecular consequence: missense variant.
Genome position (GRCh38, 1-based): chrX:154,361,481, A>C on the plus strand (T>G on the coding strand, the complement: FLNA is on the minus strand). VCF-style: chrX-154361481-A-C. GRCh37 (hg19) VCF-style: chrX-153589849-A-C.
Other names: c.3034T>G (NM_001456.3); c.3034T>G, p.Ser1012Ala (NM_001456.4); short protein forms S1012A.
Identifiers: ClinVar variation 999988 (VCV000999988.11), dbSNP rs1364359427, ClinGen allele CA415230764.
Genomic context (GRCh38, chrX:154,361,481, plus strand): 5'-GCACCACACTGTTGTCAGCCCCCAGGCCTGGCTCCACCTTGCAGGGCACCGCTGCACCCG[A>C]GGGGCCCACAATCTTGGATGCCACTTTGCCTTGACCACCAGCACCCTTTGATTTGACTGT-3'
Protein context (NP_001104026.1, residues 1002-1022): GKVASKIVGP[Ser1012Ala]GAAVPCKVEP